The following is an entry in ClinVar:

NM_006059.4(LAMC3):c.3482C>T (p.Ala1161Val)

Gene: LAMC3 (laminin subunit gamma 3; plus strand). Cytogenetic location: 9q34.12.
Variant type: single nucleotide variant.
Coding change: c.3482C>T on transcript NM_006059.4 (MANE Select); coding-DNA position 3482, C replaced by T.
Protein change: p.Ala1161Val; replaces alanine 1161 with valine.
Molecular consequence: missense variant.
Genome position (GRCh38, 1-based): chr9:131,073,309, C>T. VCF-style: chr9-131073309-C-T. GRCh37 (hg19) VCF-style: chr9-133948696-C-T.
Other names: c.3482C>T (NM_006059.3); short protein forms A1161V.
Identifiers: ClinVar variation 1372298 (VCV001372298.8), dbSNP rs537553919, ClinGen allele CA5287802.

ClinVar aggregate classification (germline): Uncertain significance. Review status: criteria provided, multiple submitters, no conflicts (2 of 4 stars). 2 submissions from 2 submitters: Uncertain significance (2). Last evaluated 2025-01-20.

Conditions:
Inborn genetic diseases. Identifiers: MedGen C0950123, MeSH D030342.

Allele frequency attached by ClinVar (database versions not stated): ExAC 0.00001; gnomAD exomes 0.00001; gnomAD 0.00003; TOPMed 0.00011; 1000 Genomes Project 30x 0.00016; 1000 Genomes Project 0.00020.
gnomAD v4.1: 14 of 1,613,434 alleles (0.00087%); highest among the groups gnomAD compares: Admixed American, 0.017%; no homozygotes.

Submissions (2):

Labcorp Genetics (formerly Invitae), Labcorp
Classification: Uncertain significance. Last evaluated: 2025-01-20. Review status: criteria provided, single submitter. Criteria: Invitae Variant Classification Sherloc (09022015). Collection method: clinical testing. Allele origin: germline.
Comment: This sequence change replaces alanine, which is neutral and non-polar, with valine, which is neutral and non-polar, at codon 1161 of the LAMC3 protein (p.Ala1161Val). This variant is present in population databases (rs537553919, gnomAD 0.003%). This variant has not been reported in the literature in individuals affected with LAMC3-related conditions. ClinVar contains an entry for this variant (Variation ID: 1372298). An algorithm developed to predict the effect of missense changes on protein structure and function outputs the following: PolyPhen-2: "Benign". The valine amino acid residue is found in multiple mammalian species, which suggests that this missense change does not adversely affect protein function. In summary, the available evidence is currently insufficient to determine the role of this variant in disease. Therefore, it has been classified as a Variant of Uncertain Significance.

Ambry Genetics
Classification: Uncertain significance for Inborn genetic diseases. Last evaluated: 2024-09-02. Review status: criteria provided, single submitter. Criteria: Ambry Variant Classification Scheme 2023. Collection method: clinical testing. Allele origin: germline.